The following is an entry in ClinVar:

NM_000465.4(BARD1):c.1181C>T (p.Thr394Ile)

Gene: BARD1 (BRCA1 associated RING domain 1; minus strand). Cytogenetic location: 2q35.
Variant type: single nucleotide variant.
Coding change: c.1181C>T on transcript NM_000465.4 (MANE Select); coding-DNA position 1181, C replaced by T.
Protein change: p.Thr394Ile; replaces threonine 394 with isoleucine.
Molecular consequence: missense variant. On other transcripts: non-coding transcript variant (2), intron variant (3).
Genome position (GRCh38, 1-based): chr2:214,780,693, G>A on the plus strand (C>T on the coding strand, the complement: BARD1 is on the minus strand). VCF-style: chr2-214780693-G-A. GRCh37 (hg19) VCF-style: chr2-215645417-G-A.
Other names: c.1124C>T, p.Thr375Ile (NM_001282543.2); c.159-28138C>T (NM_001282548.2); c.215+16368C>T (NM_001282545.2); c.364+11604C>T (NM_001282549.2); short protein forms T394I, T375I.
Identifiers: ClinVar variation 406779 (VCV000406779.22), dbSNP rs749378135, ClinGen allele CA2090328.

ClinVar aggregate classification (germline): Uncertain significance. Review status: criteria provided, multiple submitters, no conflicts (2 of 4 stars). 3 submissions from 3 submitters: Uncertain significance (3). Last evaluated 2025-09-20.

Conditions:
Hereditary cancer-predisposing syndrome. Also called: Hereditary Cancer Syndrome; Hereditary neoplastic syndrome; Neoplastic Syndromes, Hereditary; Tumor predisposition. Identifiers: Orphanet 140162, MedGen C0027672, MeSH D009386, MONDO:0015356.
Familial cancer of breast. Also called: BREAST CANCER, FAMILIAL; Hereditary breast cancer; hereditary breast carcinoma. Identifiers: Orphanet 227535, MedGen C0346153, MONDO:0016419, OMIM 114480. Disease mechanism: loss of function.

Allele frequency attached by ClinVar (database versions not stated): gnomAD exomes below 0.00001; ExAC 0.00001.

Submissions (3):

Ambry Genetics
Classification: Uncertain significance for Hereditary cancer-predisposing syndrome. Last evaluated: 2025-09-20. Review status: criteria provided, single submitter. Criteria: Ambry Variant Classification Scheme 2023. Collection method: clinical testing. Allele origin: germline.
Comment: The p.T394I variant (also known as c.1181C>T), located in coding exon 4 of the BARD1 gene, results from a C to T substitution at nucleotide position 1181. The threonine at codon 394 is replaced by isoleucine, an amino acid with similar properties. This amino acid position is not well conserved in available vertebrate species. In addition, this alteration is predicted to be tolerated by in silico analysis. Since supporting evidence is limited at this time, the clinical significance of this alteration remains unclear.

Labcorp Genetics (formerly Invitae), Labcorp
Classification: Uncertain significance for Familial cancer of breast. Last evaluated: 2025-08-20. Review status: criteria provided, single submitter. Criteria: Invitae Variant Classification Sherloc (09022015). Collection method: clinical testing. Allele origin: germline.
Comment: This sequence change replaces threonine, which is neutral and polar, with isoleucine, which is neutral and non-polar, at codon 394 of the BARD1 protein (p.Thr394Ile). This variant is present in population databases (rs749378135, gnomAD 0.0009%). This variant has not been reported in the literature in individuals affected with BARD1-related conditions. ClinVar contains an entry for this variant (Variation ID: 406779). An algorithm developed to predict the effect of missense changes on protein structure and function (PolyPhen-2) suggests that this variant is likely to be tolerated. In summary, the available evidence is currently insufficient to determine the role of this variant in disease. Therefore, it has been classified as a Variant of Uncertain Significance.

Color Diagnostics, LLC DBA Color Health
Classification: Uncertain significance for Hereditary cancer-predisposing syndrome. Last evaluated: 2019-03-14. Review status: criteria provided, single submitter. Criteria: ACMG Guidelines, 2015. Collection method: clinical testing. Allele origin: germline.